The following is an entry in ClinVar:

ClinVar aggregate classification (germline): Uncertain significance (1 of 4 stars; one submission).

Conditions:
Anauxetic dysplasia. Identifiers: Orphanet 93347, MedGen C1846796, MONDO:0011773.

Submission:

Labcorp Genetics (formerly Invitae), Labcorp
Classification: Uncertain significance for Anauxetic dysplasia. Last evaluated: 2022-04-11. Review status: criteria provided, single submitter. Criteria: Invitae Variant Classification Sherloc (09022015). Collection method: clinical testing. Allele origin: germline.
Comment: This variant occurs in the RMRP gene, which encodes an RNA molecule that does not result in a protein product. This variant is not present in population databases (gnomAD no frequency). This variant has not been reported in the literature in individuals affected with RMRP-related conditions. Experimental studies and prediction algorithms are not available or were not evaluated, and the functional significance of this variant is currently unknown. In summary, the available evidence is currently insufficient to determine the role of this variant in disease. Therefore, it has been classified as a Variant of Uncertain Significance.

NC_000009.12:g.35657806C>A

Gene: RMRP (RNA component of mitochondrial RNA processing endoribonuclease; minus strand). Cytogenetic location: 9p13.3.
Variant type: single nucleotide variant.
Genome position: GRCh38 VCF-style: chr9-35657806-C-A. GRCh37 (hg19) VCF-style: chr9-35657803-C-A.
Identifiers: ClinVar variation 2063280 (VCV002063280.1), dbSNP rs145720742, ClinGen allele CA464450512.